The following is an entry in ClinVar:

NM_002473.6(MYH9):c.4341C>A (p.Asp1447Glu)

Gene: MYH9 (myosin heavy chain 9; minus strand). Cytogenetic location: 22q12.3.
Variant type: single nucleotide variant.
Coding change: c.4341C>A on transcript NM_002473.6 (MANE Select); coding-DNA position 4341, C replaced by A.
Protein change: p.Asp1447Glu; replaces aspartic acid 1447 with glutamic acid.
Molecular consequence: missense variant.
Genome position (GRCh38, 1-based): chr22:36,291,989, G>T on the plus strand (C>A on the coding strand, the complement: MYH9 is on the minus strand). VCF-style: chr22-36291989-G-T. GRCh37 (hg19) VCF-style: chr22-36688035-G-T.
Other names: p.Asp1447Glu; short protein forms D1447E.
Identifiers: ClinVar variation 2121630 (VCV002121630.5), dbSNP rs2517958021, ClinGen allele CA411381842.

ClinVar aggregate classification (germline): Conflicting classifications of pathogenicity. Review status: criteria provided, conflicting classifications (1 of 4 stars). 2 submissions from 2 submitters: Likely pathogenic (1); Uncertain significance (1). Last evaluated 2025-10-29.

Submissions (2):

Mayo Clinic Laboratories, Mayo Clinic
Classification: Likely pathogenic. Last evaluated: 2025-10-29. Review status: criteria provided, single submitter. Criteria: ACMG Guidelines, 2015. Collection method: clinical testing. Allele origin: germline. Observed: 1 variant allele.
Comment: PP2, PP3, PP4_strong, PM2_supporting, PS1_moderate

Labcorp Genetics (formerly Invitae), Labcorp
Classification: Uncertain significance. Last evaluated: 2022-04-04. Review status: criteria provided, single submitter. Criteria: Invitae Variant Classification Sherloc (09022015). Collection method: clinical testing. Allele origin: germline.
Comment: This sequence change replaces aspartic acid, which is acidic and polar, with glutamic acid, which is acidic and polar, at codon 1447 of the MYH9 protein (p.Asp1447Glu). This variant is not present in population databases (gnomAD no frequency). This variant has not been reported in the literature in individuals affected with MYH9-related conditions. Algorithms developed to predict the effect of missense changes on protein structure and function are either unavailable or do not agree on the potential impact of this missense change (SIFT: "Tolerated"; PolyPhen-2: "Probably Damaging"; Align-GVGD: "Class C0"). This variant disrupts the p.Asp1447 amino acid residue in MYH9. Other variant(s) that disrupt this residue have been observed in individuals with MYH9-related conditions (PMID: 16978745, 18676005, 23123319), which suggests that this may be a clinically significant amino acid residue. In summary, the available evidence is currently insufficient to determine the role of this variant in disease. Therefore, it has been classified as a Variant of Uncertain Significance.

Literature cited by the submitters: PubMed 37752057 (cited by Mayo Clinic Laboratories, Mayo Clinic); PubMed 38042490 (cited by Mayo Clinic Laboratories, Mayo Clinic); PubMed 16978745 (cited by Labcorp Genetics (formerly Invitae), Labcorp); PubMed 18676005 (cited by Labcorp Genetics (formerly Invitae), Labcorp); PubMed 23123319 (cited by Labcorp Genetics (formerly Invitae), Labcorp).